The following is an entry in ClinVar:

NM_017777.4(MKS1):c.1273+7G>A

Gene: MKS1 (MKS transition zone complex subunit 1; minus strand). Cytogenetic location: 17q22.
Variant type: single nucleotide variant.
Coding change: c.1273+7G>A on transcript NM_017777.4 (MANE Select); 7 bases into the intron after coding-DNA position 1273, G replaced by A.
Molecular consequence: intron variant.
Genome position (GRCh38, 1-based): chr17:58,207,887, C>T on the plus strand (G>A on the coding strand, the complement: MKS1 is on the minus strand). VCF-style: chr17-58207887-C-T. GRCh37 (hg19) VCF-style: chr17-56285248-C-T.
Other names: c.664+7G>A (NM_001321268.2); c.1273+7G>A (NM_001330397.2, NM_001321269.2).
Identifiers: ClinVar variation 704200 (VCV000704200.17), dbSNP rs569463908, ClinGen allele CA8669214.

ClinVar aggregate classification (germline): Likely benign. Review status: criteria provided, multiple submitters, no conflicts (2 of 4 stars). 3 submissions from 3 submitters: Likely benign (2). 1 of the submissions does not count toward it. Last evaluated 2026-01-20.

Conditions:
Meckel-Gruber syndrome. Also called: DYSENCEPHALIA SPLANCHNOCYSTICA; GRUBER SYNDROME; Dysencephalia splachnocystica. Identifiers: Orphanet 564, MedGen C0265215, MONDO:0018921.
Joubert syndrome. Also called: JOUBERT-BOLTSHAUSER SYNDROME; Familial aplasia of the vermis. Identifiers: Orphanet 475, MedGen C5979921, MONDO:0018772.
MKS1-related disorder. Also called: MKS1-related condition; MKS1-related disorders. Identifiers: MedGen CN239382.

Allele frequency attached by ClinVar (database versions not stated): gnomAD 0.00004 and 0.00005; TOPMed 0.00008; 1000 Genomes Project 30x 0.00016; 1000 Genomes Project 0.00020.

Submissions (3):

Labcorp Genetics (formerly Invitae), Labcorp
Classification: Likely benign for Joubert syndrome; Meckel-Gruber syndrome. Last evaluated: 2026-01-20. Review status: criteria provided, single submitter. Criteria: Invitae Variant Classification Sherloc (09022015). Collection method: clinical testing. Allele origin: germline.

Blueprint Genetics
Classification: Likely benign. Last evaluated: 2023-09-19. Review status: criteria provided, single submitter. Criteria: ACMG Guidelines, 2015. Collection method: clinical testing. Allele origin: germline.

PreventionGenetics, part of Exact Sciences
Classification: Likely benign for MKS1-related condition. Last evaluated: 2022-12-28. Review status: no assertion criteria provided. Collection method: clinical testing. Allele origin: germline. Not counted in ClinVar's aggregate classification.
Comment: This variant is classified as likely benign based on ACMG/AMP sequence variant interpretation guidelines (Richards et al. 2015 PMID: 25741868, with internal and published modifications).